The following is an entry in ClinVar:

ClinVar aggregate classification (germline): Uncertain significance. Review status: criteria provided, multiple submitters, no conflicts (2 of 4 stars). 2 submissions from 2 submitters: Uncertain significance (2). Last evaluated 2023-06-07.

Conditions:
Inborn genetic diseases. Identifiers: MedGen C0950123, MeSH D030342.
Tyrosinemia type II (TYRSN2). Also called: KERATOSIS PALMOPLANTARIS WITH CORNEAL DYSTROPHY; OREGON TYPE TYROSINEMIA; TAT DEFICIENCY; TYROSINE AMINOTRANSFERASE DEFICIENCY; TYROSINE TRANSAMINASE DEFICIENCY. Identifiers: Orphanet 28378, MedGen C0268487, MONDO:0010160, OMIM 276600.

Allele frequency attached by ClinVar (database versions not stated): gnomAD 0.00002; 1000 Genomes Project 30x 0.00016; 1000 Genomes Project 0.00020.
gnomAD v4.1: 32 of 1,614,130 alleles (0.002%); highest among the groups gnomAD compares: South Asian, 0.014%; no homozygotes.

Submissions (2):

Ambry Genetics
Classification: Uncertain significance for Inborn genetic diseases. Last evaluated: 2023-06-07. Review status: criteria provided, single submitter. Criteria: Ambry Variant Classification Scheme 2023. Collection method: clinical testing. Allele origin: germline.

Labcorp Genetics (formerly Invitae), Labcorp
Classification: Uncertain significance for Tyrosinemia type II. Last evaluated: 2022-04-01. Review status: criteria provided, single submitter. Criteria: Invitae Variant Classification Sherloc (09022015). Collection method: clinical testing. Allele origin: germline.
Comment: This sequence change replaces arginine, which is basic and polar, with cysteine, which is neutral and slightly polar, at codon 333 of the TAT protein (p.Arg333Cys). The frequency data for this variant in the population databases is considered unreliable, as metrics indicate poor data quality at this position in the gnomAD database. This variant has not been reported in the literature in individuals affected with TAT-related conditions. Algorithms developed to predict the effect of missense changes on protein structure and function are either unavailable or do not agree on the potential impact of this missense change (SIFT: "Deleterious"; PolyPhen-2: "Possibly Damaging"; Align-GVGD: "Class C15"). In summary, the available evidence is currently insufficient to determine the role of this variant in disease. Therefore, it has been classified as a Variant of Uncertain Significance.

NM_000353.3(TAT):c.997C>T (p.Arg333Cys)

Genes: TAT (tyrosine aminotransferase; minus strand), TAT-AS1 (TAT antisense RNA 1; plus strand). Cytogenetic location: 16q22.2.
Variant type: single nucleotide variant.
Coding change: c.997C>T on transcript NM_000353.3 (MANE Select); coding-DNA position 997, C replaced by T.
Protein change: p.Arg333Cys; replaces arginine 333 with cysteine.
Molecular consequence: missense variant.
Genome position (GRCh38, 1-based): chr16:71,570,313, G>A on the plus strand (C>T on the coding strand, the complement: TAT is on the minus strand). VCF-style: chr16-71570313-G-A. GRCh37 (hg19) VCF-style: chr16-71604216-G-A.
Other names: c.997C>T (NM_000353.2); short protein forms R333C.
Identifiers: ClinVar variation 2142279 (VCV002142279.3), dbSNP rs528193761, ClinGen allele CA8153840.